The following is an entry in ClinVar:

ClinVar aggregate classification (germline): Uncertain significance. Review status: criteria provided, multiple submitters, no conflicts (2 of 4 stars). 2 submissions from 2 submitters: Uncertain significance (2). Last evaluated 2025-09-04.

Conditions:
Hereditary cancer-predisposing syndrome. Also called: Tumor predisposition; Hereditary Cancer Syndrome; Hereditary neoplastic syndrome; Neoplastic Syndromes, Hereditary. Identifiers: Orphanet 140162, MedGen C0027672, MeSH D009386, MONDO:0015356.
Retinoblastoma (RB1). Also called: RETINOBLASTOMA, SOMATIC. Identifiers: Orphanet 790, MedGen C0035335, MeSH D012175, MONDO:0008380, OMIM 180200, HP:0009919. Disease mechanism: loss of function. Inheritance: Both sporadic and heritable forms are tested..

Submissions (2):

Ambry Genetics
Classification: Uncertain significance for Hereditary cancer-predisposing syndrome. Last evaluated: 2025-09-04. Review status: criteria provided, single submitter. Criteria: Ambry Variant Classification Scheme 2023. Collection method: clinical testing. Allele origin: germline.
Comment: The p.R272G variant (also known as c.814A>G), located in coding exon 8 of the RB1 gene, results from an A to G substitution at nucleotide position 814. The arginine at codon 272 is replaced by glycine, an amino acid with dissimilar properties. This amino acid position is well conserved in available vertebrate species. In addition, the in silico prediction for this alteration is inconclusive. Since supporting evidence is limited at this time, the clinical significance of this alteration remains unclear.

All of Us Research Program, National Institutes of Health
Classification: Uncertain significance for Retinoblastoma. Last evaluated: 2024-04-25. Review status: criteria provided, single submitter. Criteria: ACMG Guidelines, 2015. Collection method: clinical testing. Allele origin: germline. Inheritance: Autosomal dominant inheritance. Observed: 1 variant allele, 1 heterozygote.
Comment: This missense variant replaces arginine with glycine at codon 272 of the RB1 protein. Computational prediction suggests that this variant may not impact protein structure and function (internally defined REVEL score threshold <= 0.5, PMID: 27666373). To our knowledge, functional studies have not been reported for this variant. This variant has not been reported in individuals affected with RB1-related disorders in the literature. This variant has not been identified in the general population by the Genome Aggregation Database (gnomAD). The available evidence is insufficient to determine the role of this variant in disease conclusively. Therefore, this variant is classified as a Variant of Uncertain Significance.

This study involves interpretation of variants in research participants for the purpose of population health screening. Participant phenotype was not available at the time of variant classification. Additional details can be found in publication PMID: 35346344, PMCID: PMC8962531

NM_000321.3(RB1):c.814A>G (p.Arg272Gly)

Gene: RB1 (RB transcriptional corepressor 1; plus strand). Cytogenetic location: 13q14.2.
Variant type: single nucleotide variant.
Coding change: c.814A>G on transcript NM_000321.3 (MANE Select); coding-DNA position 814, A replaced by G.
Protein change: p.Arg272Gly; replaces arginine 272 with glycine.
Molecular consequence: missense variant.
Genome position (GRCh38, 1-based): chr13:48,362,910, A>G. VCF-style: chr13-48362910-A-G. GRCh37 (hg19) VCF-style: chr13-48937046-A-G.
Other names: short protein forms R272G.
Identifiers: ClinVar variation 486287 (VCV000486287.8), dbSNP rs1555284945, ClinGen allele CA388159539.